The following is an entry in ClinVar:

NM_006516.4(SLC2A1):c.1171G>T (p.Val391Leu)

Gene: SLC2A1 (solute carrier family 2 member 1; minus strand). Cytogenetic location: 1p34.2.
Variant type: single nucleotide variant.
Coding change: c.1171G>T on transcript NM_006516.4 (MANE Select); coding-DNA position 1171, G replaced by T.
Protein change: p.Val391Leu; replaces valine 391 with leucine.
Molecular consequence: missense variant.
Genome position (GRCh38, 1-based): chr1:42,927,712, C>A on the plus strand (G>T on the coding strand, the complement: SLC2A1 is on the minus strand). VCF-style: chr1-42927712-C-A. GRCh37 (hg19) VCF-style: chr1-43393383-C-A.
Other names: short protein forms V391L.
Identifiers: ClinVar variation 1303506 (VCV001303506.18), dbSNP rs764168088, ClinGen allele CA339953921.

ClinVar aggregate classification (germline): Conflicting classifications of pathogenicity. Review status: criteria provided, conflicting classifications (1 of 4 stars). 2 submissions from 2 submitters: Likely pathogenic (1); Uncertain significance (1). Last evaluated 2025-11-01.

Submissions (2):

CeGaT Center for Human Genetics Tuebingen
Classification: Likely pathogenic. Last evaluated: 2025-11-01. Review status: criteria provided, single submitter. Criteria: CeGaT Center For Human Genetics Tuebingen Variant Classification Criteria Version 2. Collection method: clinical testing. Allele origin: germline. Affected: yes. Observed: 1 variant allele.
Comment: SLC2A1: PM2, PS2:Moderate, PM1:Supporting, PP3

GeneDx
Classification: Uncertain significance. Last evaluated: 2023-02-02. Review status: criteria provided, single submitter. Criteria: GeneDx Variant Classification Process June 2021. Collection method: clinical testing. Allele origin: germline. Affected: yes.
Comment: Not observed in large population cohorts (gnomAD); In silico analysis supports that this missense variant has a deleterious effect on protein structure/function; Has not been previously published as pathogenic or benign to our knowledge